The following is an entry in ClinVar:

ClinVar aggregate classification (germline): Uncertain significance (1 of 4 stars; one submission).

Conditions:
Immunodeficiency, common variable, 2 (CVID2). Also called: ANTIBODY DEFICIENCY DUE TO TACI DEFECT; HYPOGAMMAGLOBULINEMIA DUE TO TACI DEFICIENCY. Identifiers: Orphanet 1572, MedGen C3150354, MONDO:0009413, OMIM 240500.

Allele frequency attached by ClinVar (database versions not stated): ExAC 0.00001; gnomAD 0.00001; gnomAD exomes 0.00001; TOPMed 0.00001.
gnomAD v4.1: 5 of 1,614,070 alleles (0.00031%); highest among the groups gnomAD compares: South Asian, 0.0044%; no homozygotes.

Submission:

Labcorp Genetics (formerly Invitae), Labcorp
Classification: Uncertain significance for Immunodeficiency, common variable, 2. Last evaluated: 2022-01-27. Review status: criteria provided, single submitter. Criteria: Invitae Variant Classification Sherloc (09022015). Collection method: clinical testing. Allele origin: germline.
Comment: In summary, the available evidence is currently insufficient to determine the role of this variant in disease. Therefore, it has been classified as a Variant of Uncertain Significance. Algorithms developed to predict the effect of missense changes on protein structure and function are either unavailable or do not agree on the potential impact of this missense change (SIFT: "Tolerated"; PolyPhen-2: "Possibly Damaging"; Align-GVGD: "Class C0"). This variant has not been reported in the literature in individuals affected with TNFRSF13B-related conditions. This variant is present in population databases (rs769360883, gnomAD 0.006%). This sequence change replaces histidine, which is basic and polar, with asparagine, which is neutral and polar, at codon 81 of the TNFRSF13B protein (p.His81Asn).

NM_012452.3(TNFRSF13B):c.241C>A (p.His81Asn)

Gene: TNFRSF13B (TNF receptor superfamily member 13B; minus strand). Cytogenetic location: 17p11.2.
Variant type: single nucleotide variant.
Coding change: c.241C>A on transcript NM_012452.3 (MANE Select); coding-DNA position 241, C replaced by A.
Protein change: p.His81Asn; replaces histidine 81 with asparagine.
Molecular consequence: missense variant.
Genome position (GRCh38, 1-based): chr17:16,948,942, G>T on the plus strand (C>A on the coding strand, the complement: TNFRSF13B is on the minus strand). VCF-style: chr17-16948942-G-T. GRCh37 (hg19) VCF-style: chr17-16852256-G-T.
Other names: short protein forms H81N.
Identifiers: ClinVar variation 1465323 (VCV001465323.8), dbSNP rs769360883, ClinGen allele CA8414060.
Genomic context (GRCh38, chr17:16,948,942, plus strand): 5'-CACATTGCTTAGGGTGCTGTCCACAGATGGAGGCACAGCTGATGCAGTCCCTCAGGAGAT[G>T]GTCATAGAACTTGCCTTGCTCCTTGCGGCAGCTGAGTGACCCTGGGAGAGAGAAATTCAT-3'
Protein context (NP_036584.1, residues 71-91): CRKEQGKFYD[His81Asn]LLRDCISCAS